The following is an entry in ClinVar:

ClinVar aggregate classification (germline): Uncertain significance. Review status: criteria provided, multiple submitters, no conflicts (2 of 4 stars). 2 submissions from 2 submitters: Uncertain significance (2). Last evaluated 2025-10-17.

Conditions:
Inborn genetic diseases. Identifiers: MedGen C0950123, MeSH D030342.

Allele frequency attached by ClinVar (database versions not stated): gnomAD exomes below 0.00001; TOPMed below 0.00001; ExAC 0.00001.
gnomAD v4.1: 2 of 1,614,178 alleles (0.00012%); highest among the groups gnomAD compares: African/African-American, 0.0027%; no homozygotes.

Submissions (2):

Ambry Genetics
Classification: Uncertain significance for Inborn genetic diseases. Last evaluated: 2025-10-17. Review status: criteria provided, single submitter. Criteria: Ambry Variant Classification Scheme 2023. Collection method: clinical testing. Allele origin: germline.

Labcorp Genetics (formerly Invitae), Labcorp
Classification: Uncertain significance. Last evaluated: 2024-11-11. Review status: criteria provided, single submitter. Criteria: Invitae Variant Classification Sherloc (09022015). Collection method: clinical testing. Allele origin: germline.
Comment: This sequence change replaces histidine, which is basic and polar, with asparagine, which is neutral and polar, at codon 368 of the LTBP2 protein (p.His368Asn). The frequency data for this variant in the population databases is considered unreliable, as metrics indicate poor data quality at this position in the gnomAD database. This variant has not been reported in the literature in individuals affected with LTBP2-related conditions. ClinVar contains an entry for this variant (Variation ID: 1489688). An algorithm developed to predict the effect of missense changes on protein structure and function (PolyPhen-2) suggests that this variant is likely to be tolerated. In summary, the available evidence is currently insufficient to determine the role of this variant in disease. Therefore, it has been classified as a Variant of Uncertain Significance.

NM_000428.3(LTBP2):c.1102C>A (p.His368Asn)

Gene: LTBP2 (latent transforming growth factor beta binding protein 2; minus strand). Cytogenetic location: 14q24.3.
Variant type: single nucleotide variant.
Coding change: c.1102C>A on transcript NM_000428.3 (MANE Select); coding-DNA position 1102, C replaced by A.
Protein change: p.His368Asn; replaces histidine 368 with asparagine.
Molecular consequence: missense variant.
Genome position (GRCh38, 1-based): chr14:74,552,982, G>T on the plus strand (C>A on the coding strand, the complement: LTBP2 is on the minus strand). VCF-style: chr14-74552982-G-T. GRCh37 (hg19) VCF-style: chr14-75019685-G-T.
Other names: c.1102C>A (NM_000428.2); short protein forms H368N.
Identifiers: ClinVar variation 1489688 (VCV001489688.6), dbSNP rs776522147, ClinGen allele CA7269987.